The following is an entry in ClinVar:

ClinVar aggregate classification (germline): Pathogenic (1 of 4 stars; one submission).

Conditions:
Hereditary cancer-predisposing syndrome. Also called: Neoplastic Syndromes, Hereditary; Tumor predisposition; Hereditary neoplastic syndrome; Hereditary Cancer Syndrome. Identifiers: Orphanet 140162, MedGen C0027672, MeSH D009386, MONDO:0015356.

Submission:

Ambry Genetics
Classification: Pathogenic for Hereditary cancer-predisposing syndrome. Last evaluated: 2026-06-29. Review status: criteria provided, single submitter. Criteria: Ambry Variant Classification Scheme 2023. Collection method: clinical testing. Allele origin: germline.
Comment: The c.2514dupT (p.E839*) variant, located in coding exon 18 of the KIT gene, consists of a duplication of T at position 2514. This changes the amino acid from a glutamic acid to a stop codon at amino acid position 839. This variant is expected to result in loss of function by premature protein truncation or nonsense-mediated mRNA decay. for KIT-related piebaldism; however, it is unlikely to be causative of KIT-related gastrointestinal stromal tumor predisposition. This variant was not reported in population-based cohorts in the Genome Aggregation Database (gnomAD). Based on the available evidence, this alteration is classified as pathogenic.

NM_000222.3(KIT):c.2514dup (p.Glu839Ter)

Gene: KIT (KIT proto-oncogene, receptor tyrosine kinase; plus strand). Cytogenetic location: 4q12.
Variant type: Duplication.
Coding change: c.2514dup on transcript NM_000222.3 (MANE Select); coding-DNA position 2514, one base duplicated (T; older notation c.2514dupT).
Protein change: p.Glu839Ter; replaces glutamic acid 839 with a stop codon.
Molecular consequence: nonsense. On other transcripts: frameshift variant (1).
Genome position (GRCh38, 1-based): chr4:54,736,527, T duplicated. VCF-style (leftmost placement, unchanged base first): chr4-54736526-C-CT. GRCh37 (hg19) VCF-style: chr4-55602692-C-CT.
Other names: c.2514dupT (NM_000222.2); c.2502dup, p.Glu835Ter (NM_001093772.2, NM_001385292.1); c.2517dup, p.Glu840Ter (NM_001385284.1); c.2511dup, p.Glu838Ter (NM_001385285.1); c.2499dup, p.Glu834Ter (NM_001385286.1); c.2505dup, p.Glu836Ter (NM_001385288.1); c.2514dup, p.Glu839Ter (NM_001385290.1); short protein forms E834*, E835*, E836*, E839*, E838*, E840*.
Identifiers: ClinVar variation 5023348 (VCV005023348.1).